The following is an entry in ClinVar:

NM_003051.4(SLC16A1):c.799C>G (p.Leu267Val)

Gene: SLC16A1 (solute carrier family 16 member 1; minus strand). Cytogenetic location: 1p13.2.
Variant type: single nucleotide variant.
Coding change: c.799C>G on transcript NM_003051.4 (MANE Select); coding-DNA position 799, C replaced by G.
Protein change: p.Leu267Val; replaces leucine 267 with valine.
Molecular consequence: missense variant.
Genome position (GRCh38, 1-based): chr1:112,917,607, G>C on the plus strand (C>G on the coding strand, the complement: SLC16A1 is on the minus strand). VCF-style: chr1-112917607-G-C. GRCh37 (hg19) VCF-style: chr1-113460229-G-C.
Other names: c.799C>G, p.Leu267Val (NM_001166496.2); c.799C>G (NM_003051.3); short protein forms L267V.
Identifiers: ClinVar variation 1968163 (VCV001968163.6), dbSNP rs1648560610, ClinGen allele CA341828190.

ClinVar aggregate classification (germline): Uncertain significance. Review status: criteria provided, multiple submitters, no conflicts (2 of 4 stars). 2 submissions from 2 submitters: Uncertain significance (2). Last evaluated 2025-10-01.

Conditions:
SLC16A1-related disorder. Also called: SLC16A1-related condition; SLC16A1-related disorders.

Allele frequency attached by ClinVar (database versions not stated): gnomAD exomes below 0.00001.
gnomAD v4.1: 4 of 1,614,182 alleles (0.00025%); highest among the groups gnomAD compares: Non-Finnish European, 0.00034%; no homozygotes.

Submissions (2):

Labcorp Genetics (formerly Invitae), Labcorp
Classification: Uncertain significance. Last evaluated: 2025-10-01. Review status: criteria provided, single submitter. Criteria: Invitae Variant Classification Sherloc (09022015). Collection method: clinical testing. Allele origin: germline.
Comment: This sequence change replaces leucine, which is neutral and non-polar, with valine, which is neutral and non-polar, at codon 267 of the SLC16A1 protein (p.Leu267Val). This variant is not present in population databases (gnomAD no frequency). This variant has not been reported in the literature in individuals affected with SLC16A1-related conditions. ClinVar contains an entry for this variant (Variation ID: 1968163). An algorithm developed to predict the effect of missense changes on protein structure and function (PolyPhen-2) suggests that this variant is likely to be disruptive. In summary, the available evidence is currently insufficient to determine the role of this variant in disease. Therefore, it has been classified as a Variant of Uncertain Significance.

PreventionGenetics, part of Exact Sciences
Classification: Uncertain significance for SLC16A1-related condition. Last evaluated: 2022-11-23. Review status: criteria provided, single submitter. Criteria: ACMG Guidelines, 2015. Collection method: clinical testing. Allele origin: germline.
Comment: The SLC16A1 c.799C>G variant is predicted to result in the amino acid substitution p.Leu267Val. To our knowledge, this variant has not been reported in the literature or in a large population database, indicating this variant is rare. At this time, the clinical significance of this variant is uncertain due to the absence of conclusive functional and genetic evidence.